The following is an entry in ClinVar:

NM_212482.4(FN1):c.6197C>T (p.Ala2066Val)

Gene: FN1 (fibronectin 1; minus strand). Cytogenetic location: 2q35.
Variant type: single nucleotide variant.
Coding change: c.6197C>T on transcript NM_212482.4 (MANE Select); coding-DNA position 6197, C replaced by T.
Protein change: p.Ala2066Val; replaces alanine 2066 with valine.
Molecular consequence: missense variant.
Genome position (GRCh38, 1-based): chr2:215,373,372, G>A on the plus strand (C>T on the coding strand, the complement: FN1 is on the minus strand). VCF-style: chr2-215373372-G-A. GRCh37 (hg19) VCF-style: chr2-216238095-G-A.
Other names: c.6197C>T, p.Ala2066Val (NM_001306129.2); c.5927C>T, p.Ala1976Val (NM_001306130.2, NM_001365517.2, NM_001365519.2 and 2 more transcripts); c.5654C>T, p.Ala1885Val (NM_001306131.2, NM_001306132.2, NM_001365523.2 and 2 more transcripts); c.5924C>T, p.Ala1975Val (NM_001365518.2, NM_001365520.2, NM_001365524.2 and 2 more transcripts); short protein forms A1976V, A2066V, A1885V, A1975V.
Identifiers: ClinVar variation 4993253 (VCV004993253.1).

ClinVar aggregate classification (germline): Uncertain significance (1 of 4 stars; one submission).

Conditions:
FN1-related disorder. Also called: FN1-related condition.

Submission:

PreventionGenetics, part of Exact Sciences
Classification: Uncertain significance for FN1-related condition. Last evaluated: 2025-09-17. Review status: criteria provided, single submitter. Criteria: ACMG Guidelines, 2015. Collection method: clinical testing. Allele origin: germline.
Comment: The FN1 c.6197C>T variant is predicted to result in the amino acid substitution p.Ala2066Val. To our knowledge, this variant has not been reported in the literature or in a large population database (gnomAD), indicating this variant is rare. At this time, the clinical significance of this variant is uncertain due to the absence of conclusive functional and genetic evidence.